The following is an entry in ClinVar:

NM_000744.7(CHRNA4):c.228+317C>G

Gene: CHRNA4 (cholinergic receptor nicotinic alpha 4 subunit; minus strand). Cytogenetic location: 20q13.33.
Variant type: single nucleotide variant.
Coding change: c.228+317C>G on transcript NM_000744.7 (MANE Select); 317 bases into the intron after coding-DNA position 228, C replaced by G.
Molecular consequence: intron variant.
Genome position (GRCh38, 1-based): chr20:63,359,231, G>C on the plus strand (C>G on the coding strand, the complement: CHRNA4 is on the minus strand). VCF-style: chr20-63359231-G-C. GRCh37 (hg19) VCF-style: chr20-61990583-G-C.
Other names: c.-319+317C>G (NM_001256573.2).
Identifiers: ClinVar variation 668091 (VCV000668091.1), dbSNP rs6011788, ClinGen allele CA14837192.

ClinVar aggregate classification (germline): Benign (1 of 4 stars; one submission).

Allele frequency attached by ClinVar (database versions not stated): gnomAD 0.09393 and 0.09577; TOPMed 0.09420; 1000 Genomes Project 0.11482; 1000 Genomes Project 30x 0.11618.
gnomAD v4.1: 14,570 of 152,154 alleles (9.6%); highest among the groups gnomAD compares: Middle Eastern, 19%; 750 homozygotes.

Submission:

GeneDx
Classification: Benign. Last evaluated: 2018-06-18. Review status: criteria provided, single submitter. Criteria: GeneDx Variant Classification (06012015). Collection method: clinical testing. Allele origin: germline. Affected: yes.
Comment: This variant is considered likely benign or benign based on one or more of the following criteria: it is a conservative change, it occurs at a poorly conserved position in the protein, it is predicted to be benign by multiple in silico algorithms, and/or has population frequency not consistent with disease.